The following is an entry in ClinVar:

ClinVar aggregate classification (germline): Likely pathogenic (1 of 4 stars; one submission).

Submission:

GeneDx
Classification: Likely pathogenic. Last evaluated: 2017-07-19. Review status: criteria provided, single submitter. Criteria: GeneDx Variant Classification (06012015). Collection method: clinical testing. Allele origin: germline. Affected: yes.
Comment: The c.168_169dupGT variant in the AMN gene has not been reported previously as a pathogenic variant nor as a benign variant, to our knowledge. The c.168_169dupGT variant causes a frameshift starting with codon Serine 57, changes this amino acid to a Cysteine residue, and creates a premature Stop codon at position 143 of the new reading frame, denoted p.Ser57CysfsX143. This variant is predicted to cause loss of normal protein function either through protein truncation or nonsense-mediated mRNA decay. The c.168_169dupGT variant is not observed in large population cohorts (Lek et al., 2016; 1000 Genomes Consortium et al., 2015; Exome Variant Server). We interpret c.168_169dupGT as a likely pathogenic variant.

NM_030943.4(AMN):c.168_169dup (p.Ser57fs)

Gene: AMN (amnion associated transmembrane protein; plus strand). Cytogenetic location: 14q32.32.
Variant type: Microsatellite.
Coding change: c.168_169dup on transcript NM_030943.4 (MANE Select); coding-DNA positions 168 to 169, 2 bases duplicated (GT; older notation c.168_169dupGT).
Protein change: p.Ser57fs; shifts the reading frame from serine 57.
Molecular consequence: frameshift variant.
Genome position (GRCh38, 1-based): chr14:102,923,940-102,923,941, GT duplicated; duplicating any 2 consecutive bases within chr14:102,923,938-102,923,941 gives the same sequence; the c. name uses the placement nearest the transcript's 3' end. VCF-style (leftmost placement, unchanged base first): chr14-102923937-G-GGT. GRCh37 (hg19) VCF-style: chr14-103390274-G-GGT.
Other names: c.168_169dupGT (NM_030943.3); short protein forms S57fs.
Identifiers: ClinVar variation 419161 (VCV000419161.1), dbSNP rs1555380625, ClinGen allele CA16619829.
Genomic context (GRCh38, chr14:102,923,937, plus strand): 5'-ACCGTGTGGCCCCGGTGGGGGTTGCTCCCGGCTCGGCTGAGGCAGCTTCTTCCTGCAGAT[G>GGT]GTGTCAGTCCTGGTGCAAGAAGGTCACGCCGTCTCAGACATGGTAAGGCCGGGCTGCTAC-3'